The following is an entry in ClinVar:

ClinVar aggregate classification (germline): Uncertain significance. Review status: criteria provided, multiple submitters, no conflicts (2 of 4 stars). 3 submissions from 3 submitters: Uncertain significance (3). Last evaluated 2025-12-18.

Conditions:
Hereditary cancer-predisposing syndrome. Also called: Hereditary Cancer Syndrome; Hereditary neoplastic syndrome; Neoplastic Syndromes, Hereditary; Tumor predisposition. Identifiers: Orphanet 140162, MedGen C0027672, MeSH D009386, MONDO:0015356.

Allele frequency attached by ClinVar (database versions not stated): gnomAD 0.00001; ExAC 0.00002; gnomAD exomes 0.00002; TOPMed 0.00002.
gnomAD v4.1: 16 of 1,613,854 alleles (0.00099%); highest among the groups gnomAD compares: Non-Finnish European, 0.0012%; no homozygotes.

Submissions (4):

Labcorp Genetics (formerly Invitae), Labcorp
Classification: Uncertain significance. Last evaluated: 2025-12-18. Review status: criteria provided, single submitter. Criteria: Invitae Variant Classification Sherloc (09022015). Collection method: clinical testing. Allele origin: germline.
Comment: This sequence change replaces glutamic acid, which is acidic and polar, with valine, which is neutral and non-polar, at codon 2036 of the POLE protein (p.Glu2036Val). The frequency data for this variant in the population databases is considered unreliable, as metrics indicate poor data quality at this position in the gnomAD database. This variant has not been reported in the literature in individuals affected with POLE-related conditions. ClinVar contains an entry for this variant (Variation ID: 405823). Invitae Evidence Modeling of protein sequence and biophysical properties (such as structural, functional, and spatial information, amino acid conservation, physicochemical variation, residue mobility, and thermodynamic stability) indicates that this missense variant is not expected to disrupt POLE protein function with a negative predictive value of 80%. In summary, the available evidence is currently insufficient to determine the role of this variant in disease. Therefore, it has been classified as a Variant of Uncertain Significance.

Ambry Genetics
Classification: Uncertain significance for Hereditary cancer-predisposing syndrome. Last evaluated: 2025-01-02. Review status: criteria provided, single submitter. Criteria: Ambry Variant Classification Scheme 2023. Collection method: clinical testing. Allele origin: germline.
Comment: The p.E2036V variant (also known as c.6107A>T), located in coding exon 44 of the POLE gene, results from an A to T substitution at nucleotide position 6107. The glutamic acid at codon 2036 is replaced by valine, an amino acid with dissimilar properties. This amino acid position is not well conserved in available vertebrate species. In addition, this alteration is predicted to be tolerated by in silico analysis. Based on the available evidence, the clinical significance of this variant remains unclear.

GeneDx
Classification: Uncertain significance. Last evaluated: 2023-12-14. Review status: criteria provided, single submitter. Criteria: GeneDx Variant Classification Process June 2021. Collection method: clinical testing. Allele origin: germline. Affected: yes.
Comment: Not observed at significant frequency in large population cohorts (gnomAD); In silico analysis supports that this missense variant does not alter protein structure/function; Has not been previously published as pathogenic or benign to our knowledge; This variant is associated with the following publications: (PMID: 27060149)

Dr. Peter K. Rogan Lab, Western University
No classification provided (evidence only). Condition: Lung cancer. Review status: no classification provided. Collection method: in vitro. Allele origin: not applicable. Functional consequence: retained intron. Not counted in ClinVar's aggregate classification.

NM_006231.4(POLE):c.6107A>T (p.Glu2036Val)

Gene: POLE (DNA polymerase epsilon, catalytic subunit; minus strand). Cytogenetic location: 12q24.33.
Variant type: single nucleotide variant.
Coding change: c.6107A>T on transcript NM_006231.4 (MANE Select); coding-DNA position 6107, A replaced by T.
Protein change: p.Glu2036Val; replaces glutamic acid 2036 with valine.
Molecular consequence: missense variant.
Genome position (GRCh38, 1-based): chr12:132,632,693, T>A on the plus strand (A>T on the coding strand, the complement: POLE is on the minus strand). VCF-style: chr12-132632693-T-A. GRCh37 (hg19) VCF-style: chr12-133209279-T-A.
Other names: short protein forms E2036V.
Identifiers: ClinVar variation 405823 (VCV000405823.16), dbSNP rs751818136, ClinGen allele CA6892281.
Genomic context (GRCh38, chr12:132,632,693, plus strand): 5'-CAGTGGCCTCAAAAGACAAAAGACTGCTCACCGGGAAGGGCTCCGACCGCCCCCTCGGCC[T>A]CCTGGGAGAGCTGGCTGGCCCCCCTCCTCCTCACGGGGGTGCTCCCTGGAGCACTGCGCC-3'
Protein context (NP_006222.2, residues 2026-2046): RRRGASQLSQ[Glu2036Val]AEGAVGALPG